The following is an entry in ClinVar:

NM_201253.3(CRB1):c.2506C>A (p.Pro836Thr)

Gene: CRB1 (crumbs cell polarity complex component 1; plus strand). Cytogenetic location: 1q31.3.
Variant type: single nucleotide variant.
Coding change: c.2506C>A on transcript NM_201253.3 (MANE Select); coding-DNA position 2506, C replaced by A.
Protein change: p.Pro836Thr; replaces proline 836 with threonine.
Molecular consequence: missense variant. On other transcripts: non-coding transcript variant (2), intron variant (1).
Genome position (GRCh38, 1-based): chr1:197,427,831, C>A. VCF-style: chr1-197427831-C-A. GRCh37 (hg19) VCF-style: chr1-197396961-C-A.
Other names: c.2170C>A, p.Pro724Thr (NM_001193640.2); c.2299C>A, p.Pro767Thr (NM_001257965.2); c.2128+5875C>A (NM_001257966.2); short protein forms P836T, P767T, P724T.
Identifiers: ClinVar variation 372352 (VCV000372352.35), dbSNP rs116471343, ClinGen allele CA1312130.
Genomic context (GRCh38, chr1:197,427,831, plus strand): 5'-TTTATTTCTGCTTCTACGTGGAAAATCGAAAAGGGAGATGTCATCTACATTGGTGGCCTA[C>A]CTGACAAGCAAGAGACTGAACTTAATGGTGGATTCTTCAAAGGCTGTATCCAAGATGTAA-3'
Protein context (NP_957705.1, residues 826-846): KGDVIYIGGL[Pro836Thr]DKQETELNGG

ClinVar aggregate classification (germline): Pathogenic/Likely pathogenic. Review status: criteria provided, multiple submitters, no conflicts (2 of 4 stars). 18 submissions from 18 submitters: Pathogenic (13); Likely pathogenic (4). 1 of the submissions does not count toward it. Last evaluated 2026-05-27.

Conditions:
Retinitis pigmentosa 12 (RP12). Also called: RP WITH OR WITHOUT PPRPE; RP WITH OR WITHOUT PRESERVED PARAARTERIOLE RETINAL PIGMENT EPITHELIUM; RETINITIS PIGMENTOSA WITH OR WITHOUT PARAARTERIOLAR PRESERVATION OF RETINAL PIGMENT EPITHELIUM. Identifiers: Orphanet 791, MedGen C1838647, MONDO:0010818, OMIM 600105.
Pigmented paravenous retinochoroidal atrophy. Identifiers: Orphanet 251295, MedGen C1868310, MONDO:0008246, OMIM 172870.
Leber congenital amaurosis 8 (LCA8). Identifiers: Orphanet 65, MedGen C3151202, MONDO:0013453, OMIM 613835.
Leber congenital amaurosis (LCA). Also called: Leber's amaurosis. Identifiers: Orphanet 65, MedGen C0339527, MeSH D057130, MONDO:0018998.
Hereditary macular dystrophy. Also called: Genetic macular dystrophy. Identifiers: MedGen C0339508, MONDO:0020242.
CRB1-related disorder. Also called: CRB1-related condition; CRB1-related disorders.
Retinal dystrophy. Also called: Inherited retinal dystrophy. Identifiers: Orphanet 71862, MedGen C0854723, MeSH D058499, MONDO:0019118, HP:0000556.
Leber congenital amaurosis 1 (LCA1). Also called: AMAUROSIS CONGENITA OF LEBER I; RETINAL BLINDNESS, CONGENITAL; Congenital absence of the rods and cones; Leber's congenital tapetoretinal degeneration; Leber's congenital tapetoretinal dysplasia. Identifiers: Orphanet 65, MedGen C2931258, MONDO:0008764, OMIM 204000.

Allele frequency attached by ClinVar (database versions not stated): gnomAD exomes 0.00009 and 0.00021; ExAC 0.00021; TOPMed 0.00081; gnomAD 0.00090 and 0.00096; ESP Exome Variant Server 0.00092; 1000 Genomes Project 30x 0.00109; 1000 Genomes Project 0.00120.
gnomAD v4.1: 266 of 1,613,966 alleles (0.016%); highest among the groups gnomAD compares: African/African-American, 0.33%; 1 homozygote.

Submissions 1 to 10 of 18:

PreventionGenetics, part of Exact Sciences
Classification: Pathogenic for CRB1-related condition. Last evaluated: 2026-05-27. Review status: criteria provided, single submitter. Criteria: ACMG Guidelines, 2015. Collection method: clinical testing. Allele origin: germline.
Comment: The CRB1 c.2506C>A variant is predicted to result in the amino acid substitution p.Pro836Thr. This variant has been reported in the homozygous and compound heterozygous states in individuals with retinal dystrophy (Henderson et al. 2011. PubMed ID: 20956273; Bujakowska et al. 2012. PubMed ID: 22065545; Motta et al. 2017. PubMed ID: 28819299; Zenteno et al. 2020. PubMed ID: 31736247; Table S1, Lin et al. 2024. PubMed ID: 38219857). This variant has also been reported in the homozygous state in twins affected by focal macular disease with cystoid macular edema (Wolfson et al. 2015. PubMed ID: 26312378). This variant is present in 0.28% of alleles in individuals of African descent in gnomAD, indicating it is relatively common in this population. This variant is interpreted as pathogenic.

Labcorp Genetics (formerly Invitae), Labcorp
Classification: Pathogenic for Leber congenital amaurosis 8; Retinitis pigmentosa 12. Last evaluated: 2026-02-02. Review status: criteria provided, single submitter. Criteria: Invitae Variant Classification Sherloc (09022015). Collection method: clinical testing. Allele origin: germline.
Comment: This sequence change replaces proline, which is neutral and non-polar, with threonine, which is neutral and polar, at codon 836 of the CRB1 protein (p.Pro836Thr). This variant is present in population databases (rs116471343, gnomAD 0.3%). This missense change has been observed in individual(s) with retinitis pigmentosa or early-onset rod/cone dystrophy (PMID: 20956273, 22065545, 28819299; internal data). In at least one individual the data is consistent with being in trans (on the opposite chromosome) from a pathogenic variant. It has also been observed to segregate with disease in related individuals. ClinVar contains an entry for this variant (Variation ID: 372352). Invitae Evidence Modeling of protein sequence and biophysical properties (such as structural, functional, and spatial information, amino acid conservation, physicochemical variation, residue mobility, and thermodynamic stability) indicates that this missense variant is expected to disrupt CRB1 protein function with a positive predictive value of 80%. For these reasons, this variant has been classified as Pathogenic.

Dasa
Classification: Pathogenic. Last evaluated: 2026-01-26. Review status: criteria provided, single submitter. Criteria: DASA Assertion Criteria. Collection method: clinical testing. Allele origin: germline.
Comment: NM_201253.3(CRB1):c.2506C>A (p.Pro836Thr) is a missense variant that results in the substitution of proline with threonine. The affected residue or protein region has prior evidence supporting clinical relevance. Segregation evidence has been reported in affected families. This variant has been observed in affected individuals with related phenotype in a genotype context consistent with recessive disease (PMID: 20956273; PMID: 22065545; PMID: 28819299; PMID: 35170635). Functional evidence supports a deleterious effect on the gene or gene product (PMID: 20956273; PMID: 22065545; PMID: 28819299; PMID: 35170635). This variant has been recurrently observed in individuals with related phenotype (PMID: 20956273; PMID: 22065545; PMID: 28819299; PMID: 35170635). Multiple computational predictions support a deleterious effect on the gene or gene product. The variant is present at low frequency in population datasets. Based on the available data, this variant is classified as pathogenic.

3billion
Classification: Pathogenic for CRB1-related disorder. Last evaluated: 2026-01-13. Review status: criteria provided, single submitter. Criteria: ACMG Guidelines, 2015. Collection method: clinical testing. Allele origin: germline. Affected: yes.
Comment: The variant is observed at an extremely low frequency in the gnomAD v4.1.0 dataset (total allele frequency: 0.016%). Predicted Consequence/Location: Missense variant In silico tool predictions suggest damaging effect of the variant on gene or gene product [REVEL: 0.69 (>=0.6, sensitivity 0.68 and specificity 0.92); 3Cnet: 0.85 (> 0.75, sensitivity 0.96 and precision 0.92)]. The same nucleotide change resulting in the same amino acid change has been previously reported as pathogenic/likely pathogenic with strong evidence (ClinVar ID: VCV000372352 /PMID: 15459956 /3billion dataset). The variant has been reported to be in trans with a pathogenic variant as either compound heterozygous or homozygous in at least 2 similarly affected unrelated individuals (PMID: 22065545, 28819299). Therefore, this variant is classified as Pathogenic according to the recommendation of ACMG/AMP guideline.

Natera, Inc.
Classification: Pathogenic for Leber congenital amaurosis. Last evaluated: 2025-09-30. Review status: criteria provided, single submitter. Criteria: Natera Variant Classification Schema (03/2026). Collection method: clinical testing. Allele origin: germline.
Comment: The c.2506C>A variant in CRB1 is a missense variant predicted to cause substitution of proline to threonine at amino acid 836. This variant is rare in the general population with a frequency below the threshold expected for the associated phenotype(s). This variant has been observed in one or more individuals affected with the associated recessive disease, as either homozygous or compound heterozygous with a second variant (PMID: 34884448, 32783370). Given the available evidence, this variant is classified as Pathogenic.

First Genomix Gene Laboratory, Genetic Diagnostics Department
Classification: Pathogenic for Leber congenital amaurosis 8; Retinitis pigmentosa 12. Last evaluated: 2025-06-19. Review status: criteria provided, single submitter. Criteria: ACMG Guidelines, 2015. Collection method: clinical testing. Allele origin: germline. Inheritance: Autosomal recessive inheritance. Affected: no.

Women's Health and Genetics/Laboratory Corporation of America, LabCorp
Classification: Pathogenic for Retinal dystrophy. Last evaluated: 2025-04-09. Review status: criteria provided, single submitter. Criteria: LabCorp Variant Classification Summary - May 2015. Collection method: clinical testing. Allele origin: germline.
Comment: Variant summary: CRB1 c.2506C>A (p.Pro836Thr) results in a non-conservative amino acid change in the encoded protein sequence. Three of five in-silico tools predict a damaging effect of the variant on protein function. The variant allele was found at a frequency of 0.00021 in 251114 control chromosomes (gnomAD). This frequency is not significantly higher than estimated for a pathogenic variant in CRB1 causing Retinal Dystrophy (0.00021 vs 0.0019), allowing no conclusion about variant significance. c.2506C>A has been reported in the literature in multiple individuals affected with Retinal Dystrophy (Bujakowska_2012, Ganapathi_2022). These data indicate that the variant is very likely to be associated with disease. The following publications have been ascertained in the context of this evaluation (PMID: 22065545, 35672425). ClinVar contains an entry for this variant (Variation ID: 372352). Based on the evidence outlined above, the variant was classified as pathogenic.

Blueprint Genetics
Classification: Pathogenic for CRB1-related disorders. Last evaluated: 2024-10-09. Review status: criteria provided, single submitter. Criteria: ACMG Guidelines, 2015. Collection method: clinical testing. Allele origin: germline. Affected: yes. Observed: 5 variant alleles.

Genomic Medicine Center of Excellence, King Faisal Specialist Hospital and Research Centre
Classification: Likely pathogenic for Retinitis pigmentosa 12. Last evaluated: 2024-04-04. Review status: criteria provided, single submitter. Criteria: ACMG Guidelines, 2015. Collection method: clinical testing. Allele origin: germline.

Baylor Genetics
Classification: Pathogenic for Leber congenital amaurosis 8. Last evaluated: 2024-03-25. Review status: criteria provided, single submitter. Criteria: ACMG Guidelines, 2015. Collection method: clinical testing. Allele origin: unknown.